The following is an entry in ClinVar:

ClinVar aggregate classification (germline): Likely pathogenic (1 of 4 stars; one submission).

Conditions:
Dilated cardiomyopathy 1G (CMD1G). Identifiers: Orphanet 154, MedGen C1858763, MONDO:0011400, OMIM 604145.
Autosomal recessive limb-girdle muscular dystrophy type 2J (LGMDR10). Also called: Limb-girdle muscular dystrophy, type 2J; MUSCULAR DYSTROPHY, LIMB-GIRDLE, AUTOSOMAL RECESSIVE 10. Identifiers: Orphanet 140922, MedGen C1837342, MONDO:0012127, OMIM 608807.

Submission:

Labcorp Genetics (formerly Invitae), Labcorp
Classification: Likely pathogenic for Dilated cardiomyopathy 1G; Autosomal recessive limb-girdle muscular dystrophy type 2J. Last evaluated: 2021-10-28. Review status: criteria provided, single submitter. Criteria: Invitae Variant Classification Sherloc (09022015). Collection method: clinical testing. Allele origin: germline.
Comment: This sequence change creates a premature translational stop signal (p.Val24735Serfs*2) in the TTN gene. While this is not anticipated to result in nonsense mediated decay, it is expected to create a truncated TTN protein. This variant is not present in population databases (gnomAD no frequency). This variant has not been reported in the literature in individuals affected with TTN-related conditions. This variant is located in the A band of TTN (PMID: 25589632). Truncating variants in this region are significantly overrepresented in patients affected with dilated cardiomyopathy (PMID: 25589632). Truncating variants in this region have also been reported in individuals affected with autosomal recessive centronuclear myopathy (PMID: 23975875). In summary, the currently available evidence indicates that the variant is pathogenic, but additional data are needed to prove that conclusively. Therefore, this variant has been classified as Likely Pathogenic.

Literature cited by the submitters: PubMed 25589632; PubMed 23975875.

NM_001267550.2(TTN):c.74202dup (p.Val24735fs)

Genes: TTN-AS1 (TTN antisense RNA 1; plus strand), TTN (titin; minus strand). Cytogenetic location: 2q31.2.
Variant type: Duplication.
Coding change: c.74202dup on transcript NM_001267550.2 (MANE Select); coding-DNA position 74202, one base duplicated (A; older notation c.74202dupA).
Protein change: p.Val24735fs; shifts the reading frame from valine 24735.
Molecular consequence: frameshift variant.
Genome position (GRCh38, 1-based): chr2:178,571,930, T duplicated on the plus strand (A on the coding strand, the reverse complement: TTN is on the minus strand); the first of 4 consecutive T bases (chr2:178,571,930-178,571,933); duplicating any one gives the same sequence. VCF-style (leftmost placement, unchanged base first): chr2-178571929-C-CT. GRCh37 (hg19) VCF-style: chr2-179436656-C-CT.
Other names: c.69279dup, p.Val23094fs (NM_001256850.1); c.47007dup, p.Val15670fs (NM_003319.4); c.66498dup, p.Val22167fs (NM_133378.4); c.47382dup, p.Val15795fs (NM_133432.3); c.47583dup, p.Val15862fs (NM_133437.4); short protein forms V15670fs, V15795fs, V15862fs, V23094fs, V24735fs, V22167fs.
Identifiers: ClinVar variation 1486185 (VCV001486185.6), dbSNP rs2154169694, ClinGen allele CA2573134143.